The following is an entry in ClinVar:

NM_021098.3(CACNA1H):c.4775C>A (p.Pro1592Gln)

Gene: CACNA1H (calcium voltage-gated channel subunit alpha1 H; plus strand). Cytogenetic location: 16p13.3.
Variant type: single nucleotide variant.
Coding change: c.4775C>A on transcript NM_021098.3 (MANE Select); coding-DNA position 4775, C replaced by A.
Protein change: p.Pro1592Gln; replaces proline 1592 with glutamine.
Molecular consequence: missense variant. On other transcripts: intron variant (1).
Genome position (GRCh38, 1-based): chr16:1,212,526, C>A. VCF-style: chr16-1212526-C-A. GRCh37 (hg19) VCF-style: chr16-1262526-C-A.
Other names: c.4759+388C>A (NM_001005407.2); short protein forms P1592Q.
Identifiers: ClinVar variation 4880898 (VCV004880898.2).

ClinVar aggregate classification (germline): Uncertain significance (1 of 4 stars; one submission).

Submission:

Dasa
Classification: Uncertain significance. Last evaluated: 2024-11-21. Review status: criteria provided, single submitter. Criteria: DASA Assertion Criteria. Collection method: clinical testing. Allele origin: germline.
Comment: NM_021098.3(CACNA1H):c.4775C>A (p.Pro1592Gln) is a missense variant that results in the substitution of proline with glutamine. This variant is rare in population databases. The currently available literature and clinical evidence are not sufficient to establish a definitive association between this variant and the reported condition. Therefore, this variant is classified as a variant of uncertain significance.